The following is an entry in ClinVar:

NM_001371928.1(AHDC1):c.1474A>G (p.Thr492Ala)

Gene: AHDC1 (AT-hook DNA binding motif containing 1; minus strand). Cytogenetic location: 1p36.11.
Variant type: single nucleotide variant.
Coding change: c.1474A>G on transcript NM_001371928.1 (MANE Select); coding-DNA position 1474, A replaced by G.
Protein change: p.Thr492Ala; replaces threonine 492 with alanine.
Molecular consequence: missense variant.
Genome position (GRCh38, 1-based): chr1:27,550,642, T>C on the plus strand (A>G on the coding strand, the complement: AHDC1 is on the minus strand). VCF-style: chr1-27550642-T-C. GRCh37 (hg19) VCF-style: chr1-27877153-T-C.
Other names: c.1474A>G, p.Thr492Ala (NM_001029882.3); short protein forms T492A.
Identifiers: ClinVar variation 2841600 (VCV002841600.3), dbSNP rs2522010309, ClinGen allele CA339234009.

ClinVar aggregate classification (germline): Uncertain significance (1 of 4 stars; one submission).

gnomAD v4.1: 1 of 1,613,654 alleles (0.000062%); no homozygotes.

Submission:

Labcorp Genetics (formerly Invitae), Labcorp
Classification: Uncertain significance. Last evaluated: 2023-12-11. Review status: criteria provided, single submitter. Criteria: Invitae Variant Classification Sherloc (09022015). Collection method: clinical testing. Allele origin: germline.
Comment: This sequence change replaces threonine, which is neutral and polar, with alanine, which is neutral and non-polar, at codon 492 of the AHDC1 protein (p.Thr492Ala). This variant is not present in population databases (gnomAD no frequency). This variant has not been reported in the literature in individuals affected with AHDC1-related conditions. An algorithm developed to predict the effect of missense changes on protein structure and function (PolyPhen-2) suggests that this variant is likely to be tolerated. In summary, the available evidence is currently insufficient to determine the role of this variant in disease. Therefore, it has been classified as a Variant of Uncertain Significance.